The following is an entry in ClinVar:

NM_020207.7(ERCC6L2):c.1957T>C (p.Cys653Arg)

Gene: ERCC6L2 (ERCC excision repair 6 like 2; plus strand). Cytogenetic location: 9q22.32.
Variant type: single nucleotide variant.
Coding change: c.1957T>C on transcript NM_020207.7 (MANE Select); coding-DNA position 1957, T replaced by C.
Protein change: p.Cys653Arg; replaces cysteine 653 with arginine.
Molecular consequence: missense variant. On other transcripts: non-coding transcript variant (1).
Genome position (GRCh38, 1-based): chr9:95,966,571, T>C. VCF-style: chr9-95966571-T-C. GRCh37 (hg19) VCF-style: chr9-98728853-T-C.
Other names: c.1957T>C, p.Cys653Arg (NM_001010895.4, NM_001375291.1, NM_001375292.1 and 2 more transcripts); short protein forms C653R.
Identifiers: ClinVar variation 1432830 (VCV001432830.5), dbSNP rs745580180, ClinGen allele CA5139775.

ClinVar aggregate classification (germline): Uncertain significance. Review status: criteria provided, multiple submitters, no conflicts (2 of 4 stars). 2 submissions from 2 submitters: Uncertain significance (2). Last evaluated 2024-12-29.

Conditions:
Inborn genetic diseases. Identifiers: MedGen C0950123, MeSH D030342.

Allele frequency attached by ClinVar (database versions not stated): gnomAD exomes 0.00001 and 0.00005; TOPMed 0.00001; ExAC 0.00009.

Submissions (2):

Ambry Genetics
Classification: Uncertain significance for Inborn genetic diseases. Last evaluated: 2024-12-29. Review status: criteria provided, single submitter. Criteria: Ambry Variant Classification Scheme 2023. Collection method: clinical testing. Allele origin: germline.
Comment: The p.C653R variant (also known as c.1957T>C), located in coding exon 14 of the ERCC6L2 gene, results from a T to C substitution at nucleotide position 1957. The cysteine at codon 653 is replaced by arginine, an amino acid with highly dissimilar properties. This amino acid position is conserved. In addition, this alteration is predicted to be deleterious by in silico analysis. Based on the available evidence, the clinical significance of this variant remains unclear.

Labcorp Genetics (formerly Invitae), Labcorp
Classification: Uncertain significance. Last evaluated: 2023-07-14. Review status: criteria provided, single submitter. Criteria: Invitae Variant Classification Sherloc (09022015). Collection method: clinical testing. Allele origin: germline.
Comment: This variant is present in population databases (rs745580180, gnomAD 0.01%). This variant has not been reported in the literature in individuals affected with ERCC6L2-related conditions. ClinVar contains an entry for this variant (Variation ID: 1432830). Experimental studies and prediction algorithms are not available or were not evaluated, and the functional significance of this variant is currently unknown. In summary, the available evidence is currently insufficient to determine the role of this variant in disease. Therefore, it has been classified as a Variant of Uncertain Significance. This sequence change replaces cysteine, which is neutral and slightly polar, with arginine, which is basic and polar, at codon 664 of the ERCC6L2 protein (p.Cys664Arg).